The following is an entry in ClinVar:

NM_015335.5(MED13L):c.3659A>G (p.Glu1220Gly)

Gene: MED13L (mediator complex subunit 13L; minus strand). Cytogenetic location: 12q24.21.
Variant type: single nucleotide variant.
Coding change: c.3659A>G on transcript NM_015335.5 (MANE Select); coding-DNA position 3659, A replaced by G.
Protein change: p.Glu1220Gly; replaces glutamic acid 1220 with glycine.
Molecular consequence: missense variant.
Genome position (GRCh38, 1-based): chr12:115,991,295, T>C on the plus strand (A>G on the coding strand, the complement: MED13L is on the minus strand). VCF-style: chr12-115991295-T-C. GRCh37 (hg19) VCF-style: chr12-116429100-T-C.
Other names: short protein forms E1220G.
Identifiers: ClinVar variation 2914552 (VCV002914552.3), dbSNP rs1878044979, ClinGen allele CA386886995.

ClinVar aggregate classification (germline): Uncertain significance (1 of 4 stars; one submission).

Conditions:
Dextro-looped transposition of the great arteries. Also called: Dextrotransposition of the great arteries. Identifiers: Orphanet 860, MedGen C3531771, MONDO:0019443, OMIM 608808, HP:0031348.

Allele frequency attached by ClinVar (database versions not stated): gnomAD exomes below 0.00001.
gnomAD v4.1: 2 of 1,614,132 alleles (0.00012%); highest among the groups gnomAD compares: Admixed American, 0.0033%; no homozygotes.

Submission:

Labcorp Genetics (formerly Invitae), Labcorp
Classification: Uncertain significance for Dextro-looped transposition of the great arteries. Last evaluated: 2024-09-03. Review status: criteria provided, single submitter. Criteria: Invitae Variant Classification Sherloc (09022015). Collection method: clinical testing. Allele origin: germline.
Comment: This sequence change replaces glutamic acid, which is acidic and polar, with glycine, which is neutral and non-polar, at codon 1220 of the MED13L protein (p.Glu1220Gly). This variant is not present in population databases (gnomAD no frequency). This variant has not been reported in the literature in individuals affected with MED13L-related conditions. Invitae Evidence Modeling of protein sequence and biophysical properties (such as structural, functional, and spatial information, amino acid conservation, physicochemical variation, residue mobility, and thermodynamic stability) indicates that this missense variant is not expected to disrupt MED13L protein function with a negative predictive value of 80%. In summary, the available evidence is currently insufficient to determine the role of this variant in disease. Therefore, it has been classified as a Variant of Uncertain Significance.